The following is an entry in ClinVar:

NC_000022.10:g.(?_36651002)_(36710383_?)dup

Genes: APOL1 (apolipoprotein L1; plus strand), MYH9 (myosin heavy chain 9; minus strand). Cytogenetic location: 22q12.3.
Variant type: Duplication.
Identifiers: ClinVar variation 2424462 (VCV002424462.4).

ClinVar aggregate classification (germline): Uncertain significance (1 of 4 stars; one submission).

Submission:

Labcorp Genetics (formerly Invitae), Labcorp
Classification: Uncertain significance. Last evaluated: 2022-07-19. Review status: criteria provided, single submitter. Criteria: Invitae Variant Classification Sherloc (09022015). Collection method: clinical testing. Allele origin: germline.
Comment: In summary, the available evidence is currently insufficient to determine the role of this variant in disease. Therefore, it has been classified as a Variant of Uncertain Significance. This variant has not been reported in the literature in individuals affected with MYH9-related conditions. This variant results in a copy number gain of the genomic region encompassing exon(s) 13-41 of the MYH9 gene. This region includes the termination codon of the gene. This copy number gain extends beyond the assayed region for this gene and therefore may encompass additional genes. As the precise location of this event is unknown, it may be in tandem or it may be located elsewhere in the genome.